The following is an entry in ClinVar:

ClinVar aggregate classification (germline): Likely benign (0 of 4 stars; one submission).

Conditions:
PKHD1-related disorder. Also called: PKHD1-related condition.

Allele frequency attached by ClinVar (database versions not stated): gnomAD exomes below 0.00001; TOPMed below 0.00001; gnomAD 0.00001.
gnomAD v4.1: 3 of 1,613,470 alleles (0.00019%); highest among the groups gnomAD compares: African/African-American, 0.004%; no homozygotes.

Submission:

PreventionGenetics, part of Exact Sciences
Classification: Likely benign for PKHD1-related condition. Last evaluated: 2021-09-21. Review status: no assertion criteria provided. Collection method: clinical testing. Allele origin: germline.
Comment: This variant is classified as likely benign based on ACMG/AMP sequence variant interpretation guidelines (Richards et al. 2015 PMID: 25741868, with internal and published modifications).

NM_138694.4(PKHD1):c.5826T>C (p.Asp1942=)

Gene: PKHD1 (PKHD1 ciliary IPT domain containing fibrocystin/polyductin; minus strand). Cytogenetic location: 6p12.2.
Variant type: single nucleotide variant.
Coding change: c.5826T>C on transcript NM_138694.4 (MANE Select); coding-DNA position 5826, T replaced by C.
Protein change: p.Asp1942=; no amino-acid change (aspartic acid 1942 retained).
Molecular consequence: synonymous variant.
Genome position (GRCh38, 1-based): chr6:51,959,952, A>G on the plus strand (T>C on the coding strand, the complement: PKHD1 is on the minus strand). VCF-style: chr6-51959952-A-G. GRCh37 (hg19) VCF-style: chr6-51824750-A-G.
Other names: c.5826T>C, p.Asp1942= (NM_170724.3).
Identifiers: ClinVar variation 3029333 (VCV003029333.2), dbSNP rs1396445466, ClinGen allele CA450416417.